The following is an entry in ClinVar:

ClinVar aggregate classification (germline): Uncertain significance. Review status: criteria provided, multiple submitters, no conflicts (2 of 4 stars). 4 submissions from 4 submitters: Uncertain significance (4). Last evaluated 2025-09-30.

Conditions:
Inborn genetic diseases. Identifiers: MedGen C0950123, MeSH D030342.
PROM1-related disorder. Also called: PROM1-related disorders; PROM1-related condition.

Allele frequency attached by ClinVar (database versions not stated): ExAC 0.00004.
gnomAD v4.1: 29 of 1,596,704 alleles (0.0018%); highest among the groups gnomAD compares: Non-Finnish European, 0.0024%; no homozygotes.

Submissions (4):

PreventionGenetics, part of Exact Sciences
Classification: Uncertain significance for PROM1-related condition. Last evaluated: 2025-09-30. Review status: criteria provided, single submitter. Criteria: ACMG Guidelines, 2015. Collection method: clinical testing. Allele origin: germline.
Comment: The PROM1 c.2299T>A variant is predicted to result in the amino acid substitution p.Ser767Thr. To our knowledge, this variant has not been reported in the literature. This variant is reported in 0.0056% of alleles in individuals of European (Non-Finnish) descent in gnomAD. At this time, the clinical significance of this variant is uncertain due to the absence of conclusive functional and genetic evidence.

Ambry Genetics
Classification: Uncertain significance for Inborn genetic diseases. Last evaluated: 2024-11-14. Review status: criteria provided, single submitter. Criteria: Ambry Variant Classification Scheme 2023. Collection method: clinical testing. Allele origin: germline.

Blueprint Genetics
Classification: Uncertain significance. Last evaluated: 2024-03-27. Review status: criteria provided, single submitter. Criteria: ACMG Guidelines, 2015. Collection method: clinical testing. Allele origin: germline.

Labcorp Genetics (formerly Invitae), Labcorp
Classification: Uncertain significance. Last evaluated: 2023-01-02. Review status: criteria provided, single submitter. Criteria: Invitae Variant Classification Sherloc (09022015). Collection method: clinical testing. Allele origin: germline.
Comment: This sequence change replaces serine, which is neutral and polar, with threonine, which is neutral and polar, at codon 767 of the PROM1 protein (p.Ser767Thr). This variant is present in population databases (rs766065298, gnomAD 0.006%). In summary, the available evidence is currently insufficient to determine the role of this variant in disease. Therefore, it has been classified as a Variant of Uncertain Significance. Advanced modeling of protein sequence and biophysical properties (such as structural, functional, and spatial information, amino acid conservation, physicochemical variation, residue mobility, and thermodynamic stability) performed at Invitae indicates that this missense variant is not expected to disrupt PROM1 protein function. This variant has not been reported in the literature in individuals affected with PROM1-related conditions.

NM_006017.3(PROM1):c.2299T>A (p.Ser767Thr)

Gene: PROM1 (prominin 1; minus strand). Cytogenetic location: 4p15.32.
Variant type: single nucleotide variant.
Coding change: c.2299T>A on transcript NM_006017.3 (MANE Select); coding-DNA position 2299, T replaced by A.
Protein change: p.Ser767Thr; replaces serine 767 with threonine.
Molecular consequence: missense variant.
Genome position (GRCh38, 1-based): chr4:15,984,337, A>T on the plus strand (T>A on the coding strand, the complement: PROM1 is on the minus strand). VCF-style: chr4-15984337-A-T. GRCh37 (hg19) VCF-style: chr4-15985960-A-T.
Other names: c.2272T>A, p.Ser758Thr (NM_001145847.2, NM_001145848.2, NM_001145851.2 and 4 more transcripts); c.2299T>A, p.Ser767Thr (NM_001145849.2, NM_001145850.2); c.2299T>A (NM_006017.2); short protein forms S758T, S767T.
Identifiers: ClinVar variation 2968331 (VCV002968331.6), dbSNP rs766065298, ClinGen allele CA2866431.